The following is an entry in ClinVar:

ClinVar aggregate classification (germline): Likely pathogenic. Review status: criteria provided, multiple submitters, no conflicts (2 of 4 stars). 3 submissions from 3 submitters: Likely pathogenic (2). 1 of the submissions does not count toward it. Last evaluated 2025-09-05.

Conditions:
Muscular dystrophy-dystroglycanopathy (congenital with brain and eye anomalies), type A14. Also called: WALKER-WARBURG SYNDROME OR MUSCLE-EYE-BRAIN DISEASE, GMPPB-RELATED; Muscular dystrophy-dystroglycanopathy (congenital with brain and eye anomalies), type a, 14; Congenital Muscular Dystrophy-Dystroglycanopathy with Brain and Eye Anomalies Type A 14; Congenital muscular dystrophy-dystroglycanopathy with brain and eye anomalies, type A14. Identifiers: Orphanet 588, MedGen C3809216, MONDO:0014140, OMIM 615350.
Muscular dystrophy-dystroglycanopathy (congenital with impaired intellectual development), type B, 14. Also called: MUSCULAR DYSTROPHY, CONGENITAL, GMPPB-RELATED; Muscular dystrophy-dystroglycanopathy (congenital with intellectual disability), type B14; Congenital muscular dystrophy-dystroglycanopathy with mental retardation, type B14. Identifiers: MedGen C3809221, MONDO:0014141, OMIM 615351.
Autosomal recessive limb-girdle muscular dystrophy type 2T. Also called: MUSCULAR DYSTROPHY, LIMB-GIRDLE, TYPE 2T; MUSCULAR DYSTROPHY-DYSTROGLYCANOPATHY, LIMB-GIRDLE, GMPPB-RELATED; Limb-girdle muscular dystrophy-dystroglycanopathy, type C14; Muscular dystrophy-dystroglycanopathy (limb-girdle), type c, 14. Identifiers: Orphanet 363623, MedGen C4518000, MONDO:0014142, OMIM 615352.

Allele frequency attached by ClinVar (database versions not stated): TOPMed 0.00001; gnomAD exomes 0.00002; gnomAD 0.00003.

Submissions (3):

GeneDx
Classification: Likely pathogenic. Last evaluated: 2025-09-05. Review status: criteria provided, single submitter. Criteria: GeneDx Variant Classification Process June 2021. Collection method: clinical testing. Allele origin: germline. Affected: yes.
Comment: Reported in an individual with limb-girdle muscular dystrophy who had a second pathogenic variant in the GMPPB gene (PMID: 26310427); Published functional studies demonstrate that the V254M variant results in absent or reduced GMPPB protein expression (PMID: 26133662, 35006422); In silico analysis supports that this missense variant has a deleterious effect on protein structure/function; Not observed at significant frequency in large population cohorts (gnomAD); This variant is associated with the following publications: (PMID: 26133662, 35006422, 27147698, 27766311, 36833299, 26310427)

Labcorp Genetics (formerly Invitae), Labcorp
Classification: Likely pathogenic for Autosomal recessive limb-girdle muscular dystrophy type 2T; Muscular dystrophy-dystroglycanopathy (congenital with brain and eye anomalies), type A14; Muscular dystrophy-dystroglycanopathy (congenital with impaired intellectual development), type B, 14. Last evaluated: 2023-07-16. Review status: criteria provided, single submitter. Criteria: Invitae Variant Classification Sherloc (09022015). Collection method: clinical testing. Allele origin: germline.
Comment: In summary, the currently available evidence indicates that the variant is pathogenic, but additional data are needed to prove that conclusively. Therefore, this variant has been classified as Likely Pathogenic. Experimental studies have shown that this missense change affects GMPPB function (PMID: 26133662, 35006422). Advanced modeling of protein sequence and biophysical properties (such as structural, functional, and spatial information, amino acid conservation, physicochemical variation, residue mobility, and thermodynamic stability) performed at Invitae indicates that this missense variant is expected to disrupt GMPPB protein function. ClinVar contains an entry for this variant (Variation ID: 225926). This missense change has been observed in individuals with clinical features of GMPPB-related conditions (PMID: 26133662, 26310427, 27766311). This variant is present in population databases (no rsID available, gnomAD 0.007%). This sequence change replaces valine, which is neutral and non-polar, with methionine, which is neutral and non-polar, at codon 254 of the GMPPB protein (p.Val254Met).

OMIM
Classification: Pathogenic for MUSCULAR DYSTROPHY-DYSTROGLYCANOPATHY (LIMB-GIRDLE), TYPE C, 14. Last evaluated: 2018-09-25. Review status: no assertion criteria provided. Collection method: literature only. Allele origin: germline. Not counted in ClinVar's aggregate classification.

Literature cited by the submitters: PubMed 26133662 (cited by Labcorp Genetics (formerly Invitae), Labcorp and OMIM); PubMed 35006422 (cited by Labcorp Genetics (formerly Invitae), Labcorp); PubMed 26310427 (cited by Labcorp Genetics (formerly Invitae), Labcorp); PubMed 27766311 (cited by Labcorp Genetics (formerly Invitae), Labcorp).

NM_021971.4(GMPPB):c.760G>A (p.Val254Met)

Gene: GMPPB (GDP-mannose pyrophosphorylase B; minus strand). Cytogenetic location: 3p21.31.
Variant type: single nucleotide variant.
Coding change: c.760G>A on transcript NM_021971.4 (MANE Select); coding-DNA position 760, G replaced by A.
Protein change: p.Val254Met; replaces valine 254 with methionine.
Molecular consequence: missense variant.
Genome position (GRCh38, 1-based): chr3:49,722,239, C>T on the plus strand (G>A on the coding strand, the complement: GMPPB is on the minus strand). VCF-style: chr3-49722239-C-T. GRCh37 (hg19) VCF-style: chr3-49759672-C-T.
Other names: c.760G>A, p.Val254Met (NM_013334.4); short protein forms V254M.
Identifiers: ClinVar variation 225926 (VCV000225926.12), dbSNP rs875989850, ClinGen allele CA10576144.